The following is an entry in ClinVar:

ClinVar aggregate classification (germline): Uncertain significance (1 of 4 stars; one submission).

Conditions:
Cardiovascular phenotype. Identifiers: MedGen CN230736.

Submission:

Ambry Genetics
Classification: Uncertain significance for Cardiovascular phenotype. Last evaluated: 2026-01-02. Review status: criteria provided, single submitter. Criteria: Ambry Variant Classification Scheme 2023. Collection method: clinical testing. Allele origin: germline.
Comment: The p.V249G variant (also known as c.746T>G), located in coding exon 6 of the GPD1L gene, results from a T to G substitution at nucleotide position 746. The valine at codon 249 is replaced by glycine, an amino acid with dissimilar properties. This amino acid position is conserved. In addition, this alteration is predicted to be deleterious by in silico analysis. Based on the available evidence, the clinical significance of this variant remains unclear.

NM_015141.4(GPD1L):c.746T>G (p.Val249Gly)

Gene: GPD1L (glycerol-3-phosphate dehydrogenase 1 like; plus strand). Cytogenetic location: 3p22.3.
Variant type: single nucleotide variant.
Coding change: c.746T>G on transcript NM_015141.4 (MANE Select); coding-DNA position 746, T replaced by G.
Protein change: p.Val249Gly; replaces valine 249 with glycine.
Molecular consequence: missense variant.
Genome position (GRCh38, 1-based): chr3:32,159,003, T>G. VCF-style: chr3-32159003-T-G. GRCh37 (hg19) VCF-style: chr3-32200495-T-G.
Other names: short protein forms V249G.
Identifiers: ClinVar variation 4842300 (VCV004842300.1).